The following is an entry in ClinVar:

ClinVar aggregate classification (germline): Uncertain significance (1 of 4 stars; one submission).

Submission:

Medical Genetic Center, Changzhi Maternal and Child Health Care Hospital
Classification: Uncertain significance. Last evaluated: 2025-12-10. Review status: criteria provided, single submitter. Criteria: ACMG/ClinGen CNV Guidelines, 2019. Collection method: clinical testing. Allele origin: unknown.

GRCh38/hg38 2q13(chr2:110116258-110222718)x1

Genes: MALL (mal, T cell differentiation protein like; minus strand), MTLN (mitoregulin; minus strand), NPHP1 (nephrocystin 1; minus strand), LOC129934555 (ATAC-STARR-seq lymphoblastoid active region 16369; plus strand), LOC129934556 (ATAC-STARR-seq lymphoblastoid active region 16370; plus strand) and 1 more. Cytogenetic location: 2q13.
Variant type: copy number loss.
Change: copy number 1 (one copy instead of two) of chr2:110,116,258-110,222,718 (106.5 kb, GRCh38 coordinates, 1-based), cytogenetic band 2q13.
Identifiers: ClinVar variation 4796410 (VCV004796410.1).